The following is an entry in ClinVar:

NM_001388308.1(KIF12):c.1118A>G (p.Lys373Arg)

Gene: KIF12 (kinesin family member 12; minus strand). Cytogenetic location: 9q32.
Variant type: single nucleotide variant.
Coding change: c.1118A>G on transcript NM_001388308.1 (MANE Select); coding-DNA position 1118, A replaced by G.
Protein change: p.Lys373Arg; replaces lysine 373 with arginine.
Molecular consequence: missense variant.
Genome position (GRCh38, 1-based): chr9:114,095,024, T>C on the plus strand (A>G on the coding strand, the complement: KIF12 is on the minus strand). VCF-style: chr9-114095024-T-C. GRCh37 (hg19) VCF-style: chr9-116857304-T-C.
Other names: c.704A>G, p.Lys235Arg (NM_138424.2); c.704A>G (NM_138424.1); short protein forms K235R, K373R.
Identifiers: ClinVar variation 2895788 (VCV002895788.5), dbSNP rs141171984, ClinGen allele CA5200634.

ClinVar aggregate classification (germline): Likely benign. Review status: criteria provided, multiple submitters, no conflicts (2 of 4 stars). 2 submissions from 2 submitters: Likely benign (2). Last evaluated 2026-06-05.

Conditions:
KIF12-related disorder. Also called: KIF12-related condition.

Allele frequency attached by ClinVar (database versions not stated): gnomAD 0.00059; TOPMed 0.00005; ESP Exome Variant Server 0.00023; gnomAD exomes 0.00026; ExAC 0.00059.
gnomAD v4.1: 463 of 1,587,792 alleles (0.029%); highest among the groups gnomAD compares: Non-Finnish European, 0.013%; no homozygotes.

Submissions (4):

PreventionGenetics, part of Exact Sciences
Classification: Likely benign for KIF12-related condition. Last evaluated: 2026-06-05. Review status: criteria provided, single submitter. Criteria: ACMG Guidelines, 2015. Collection method: clinical testing. Allele origin: germline.
Comment: This variant is classified as likely benign based on ACMG/AMP sequence variant interpretation guidelines (Richards et al. 2015 PMID: 25741868, with internal and published modifications).

Labcorp Genetics (formerly Invitae), Labcorp
Classification: Likely benign. Last evaluated: 2025-10-29. Review status: criteria provided, single submitter. Criteria: Invitae Variant Classification Sherloc (09022015). Collection method: clinical testing. Allele origin: germline.

Dr. Peter K. Rogan Lab, Western University
No classification provided (evidence only). Condition: Familial cancer of breast. Review status: no classification provided. Collection method: in vitro. Allele origin: not applicable. Functional consequence: skipped exon, retained intron. Not counted in ClinVar's aggregate classification.

Dr. Peter K. Rogan Lab, Western University
No classification provided (evidence only). Condition: Familial cancer of breast. Review status: no classification provided. Collection method: in vitro. Allele origin: not applicable. Functional consequence: skipped exon. Not counted in ClinVar's aggregate classification.